The following is an entry in ClinVar:

ClinVar aggregate classification (germline): Uncertain significance. Review status: criteria provided, multiple submitters, no conflicts (2 of 4 stars). 3 submissions from 3 submitters: Uncertain significance (3). Last evaluated 2025-03-07.

Conditions:
Hereditary cancer-predisposing syndrome. Also called: Neoplastic Syndromes, Hereditary; Tumor predisposition; Hereditary Cancer Syndrome; Hereditary neoplastic syndrome. Identifiers: Orphanet 140162, MedGen C0027672, MeSH D009386, MONDO:0015356.
Acrodysostosis 1 with or without hormone resistance (ACRDYS1). Also called: ACRODYSOSTOSIS WITH HORMONE RESISTANCE; ACRODYSOSTOSIS 1 WITH HORMONE RESISTANCE; ACRODYSOSTOSIS 1 WITHOUT HORMONE RESISTANCE. Identifiers: Orphanet 280651, MedGen C3276228, MONDO:0007044, OMIM 101800.
Carney complex, type 1 (CNC1). Also called: CARNEY MYXOMA-ENDOCRINE COMPLEX; CARNEY COMPLEX, TYPE I. Identifiers: Orphanet 1359, MedGen C2607929, MONDO:0008057, OMIM 160980.

Allele frequency attached by ClinVar (database versions not stated): gnomAD exomes below 0.00001; TOPMed 0.00002.
gnomAD v4.1: 1 of 1,612,660 alleles (0.000062%); highest among the groups gnomAD compares: Non-Finnish European, 0.000085%; no homozygotes.

Submissions (3):

Ambry Genetics
Classification: Uncertain significance for Hereditary cancer-predisposing syndrome. Last evaluated: 2025-03-07. Review status: criteria provided, single submitter. Criteria: Ambry Variant Classification Scheme 2023. Collection method: clinical testing. Allele origin: germline.
Comment: The p.P119T variant (also known as c.355C>A), located in coding exon 3 of the PRKAR1A gene, results from a C to A substitution at nucleotide position 355. The proline at codon 119 is replaced by threonine, an amino acid with highly similar properties. This amino acid position is highly conserved in available vertebrate species. In addition, this alteration is predicted to be deleterious by in silico analysis. Based on the available evidence, the clinical significance of this variant remains unclear.

Labcorp Genetics (formerly Invitae), Labcorp
Classification: Uncertain significance for Carney complex, type 1. Last evaluated: 2023-07-24. Review status: criteria provided, single submitter. Criteria: Invitae Variant Classification Sherloc (09022015). Collection method: clinical testing. Allele origin: germline.
Comment: This variant is not present in population databases (gnomAD no frequency). This sequence change replaces proline, which is neutral and non-polar, with threonine, which is neutral and polar, at codon 119 of the PRKAR1A protein (p.Pro119Thr). This variant has not been reported in the literature in individuals affected with PRKAR1A-related conditions. ClinVar contains an entry for this variant (Variation ID: 640335). Advanced modeling of protein sequence and biophysical properties (such as structural, functional, and spatial information, amino acid conservation, physicochemical variation, residue mobility, and thermodynamic stability) has been performed at Invitae for this missense variant, however the output from this modeling did not meet the statistical confidence thresholds required to predict the impact of this variant on PRKAR1A protein function. In summary, the available evidence is currently insufficient to determine the role of this variant in disease. Therefore, it has been classified as a Variant of Uncertain Significance.

Baylor Genetics
Classification: Uncertain significance for Acrodysostosis 1 with or without hormone resistance. Last evaluated: 2023-06-21. Review status: criteria provided, single submitter. Criteria: ACMG Guidelines, 2015. Collection method: clinical testing. Allele origin: unknown.

NM_002734.5(PRKAR1A):c.355C>A (p.Pro119Thr)

Gene: PRKAR1A (protein kinase cAMP-dependent type I regulatory subunit alpha; plus strand). Cytogenetic location: 17q24.2.
Variant type: single nucleotide variant.
Coding change: c.355C>A on transcript NM_002734.5 (MANE Select); coding-DNA position 355, C replaced by A.
Protein change: p.Pro119Thr; replaces proline 119 with threonine.
Molecular consequence: missense variant.
Genome position (GRCh38, 1-based): chr17:68,523,731, C>A. VCF-style: chr17-68523731-C-A. GRCh37 (hg19) VCF-style: chr17-66519872-C-A.
Other names: c.355C>A, p.Pro119Thr (NM_001276289.2, NM_001276290.1, NM_001278433.2 and 4 more transcripts); short protein forms P119T.
Identifiers: ClinVar variation 640335 (VCV000640335.13), dbSNP rs1253034687, ClinGen allele CA400752551.